The following is an entry in ClinVar:

ClinVar aggregate classification (germline): Uncertain significance (1 of 4 stars; one submission).

Conditions:
PARP4-related condition.

Submission:

PreventionGenetics, part of Exact Sciences
Classification: Uncertain significance for PARP4-related condition. Last evaluated: 2025-07-04. Review status: criteria provided, single submitter. Criteria: ACMG Guidelines, 2015. Collection method: clinical testing. Allele origin: germline.
Comment: The PARP4 c.477+5G>A variant is predicted to interfere with splicing. This variant is predicted to alter splicing based on available splicing prediction programs (SpliceAI, Jaganathan et al. 2019. PubMed ID: 30661751). However, the use of computer prediction programs is not equivalent to functional evidence. To our knowledge, this variant has not been reported in the literature. This variant is reported in 0.056% of alleles in individuals of European (Finnish) descent in gnomAD. At this time, the clinical significance of this variant is uncertain due to the absence of conclusive functional and genetic evidence.

NM_006437.4(PARP4):c.477+5G>A

Gene: PARP4 (poly(ADP-ribose) polymerase family member 4; minus strand). Cytogenetic location: 13q12.12.
Variant type: single nucleotide variant.
Coding change: c.477+5G>A on transcript NM_006437.4 (MANE Select); 5 bases into the intron after coding-DNA position 477, G replaced by A.
Molecular consequence: intron variant.
Genome position (GRCh38, 1-based): chr13:24,499,296, C>T on the plus strand (G>A on the coding strand, the complement: PARP4 is on the minus strand). VCF-style: chr13-24499296-C-T. GRCh37 (hg19) VCF-style: chr13-25073434-C-T.
Identifiers: ClinVar variation 5001129 (VCV005001129.1).